The following is an entry in ClinVar:

NM_001009944.3(PKD1):c.1201+1G>A

Gene: PKD1 (polycystin 1, transient receptor potential channel interacting; minus strand). Cytogenetic location: 16p13.3.
Variant type: single nucleotide variant.
Coding change: c.1201+1G>A on transcript NM_001009944.3 (MANE Select); the canonical splice donor site of the intron after coding-DNA position 1201, G replaced by A.
Molecular consequence: splice donor variant.
Genome position (GRCh38, 1-based): chr16:2,117,790, C>T on the plus strand (G>A on the coding strand, the complement: PKD1 is on the minus strand). VCF-style: chr16-2117790-C-T. GRCh37 (hg19) VCF-style: chr16-2167791-C-T.
Other names: c.1201+1G>A (NM_000296.4, NM_001009944.2).
Identifiers: ClinVar variation 811176 (VCV000811176.15), dbSNP rs1596588978, ClinGen allele CA394392932.
Genomic context (GRCh38, chr16:2,117,790, plus strand): 5'-CCAGGCTCTGCCCCATCTGGATGGCCCTGGGGAGGAAGGGGAGTGGGCAGCAGACACTCA[C>T]CTCGGGCCGGCTCCTCGCCCAGGGCCACGATGCTGTAGGCGGCCTCCAGGCCTGAACCAC-3'

ClinVar aggregate classification (germline): Pathogenic/Likely pathogenic. Review status: criteria provided, multiple submitters, no conflicts (2 of 4 stars). 7 submissions from 7 submitters: Pathogenic (3); Likely pathogenic (3). 1 of the submissions does not count toward it. Last evaluated 2025-10-08.

Conditions:
Polycystic kidney disease, adult type (PKD1). Also called: Polycystic Kidney Disease 1, Autosomal Dominant; Polycystic kidney disease 1; Polycystic kidney disease 1, severe; Polycystic Kidney, Autosomal Dominant; POLYCYSTIC KIDNEY DISEASE, ADULT, TYPE I; POLYCYSTIC KIDNEY DISEASE 1 WITH OR WITHOUT POLYCYSTIC LIVER DISEASE. Identifiers: MedGen C3149841, MONDO:0008263, OMIM 173900.
Polycystic kidney disease. Also called: Polycystic kidney dysplasia; Kidney, Polycystic. Identifiers: MedGen C0022680, MeSH D007690, MONDO:0020642, HP:0000113.
PKD1-related disorder. Also called: PKD1-related condition.

Submissions (7):

Women's Health and Genetics/Laboratory Corporation of America, LabCorp
Classification: Likely pathogenic for Polycystic kidney disease, adult type. Last evaluated: 2025-10-08. Review status: criteria provided, single submitter. Criteria: LabCorp Variant Classification Summary - May 2015. Collection method: clinical testing. Allele origin: germline.
Comment: Variant summary: PKD1 c.1201+1G>A is located in a canonical splice-site and is predicted to affect mRNA splicing resulting in a significantly altered protein due to either exon skipping, shortening, or inclusion of intronic material. Variants that disrupt the consensus splice site are a relatively common cause of aberrant splicing and loss of PKD1 function. Several computational tools predict a significant impact on normal splicing: Four predict the variant abolishes a canonical 5' splicing donor site. However, these predictions have yet to be confirmed by functional studies. The variant was absent in 71270 control chromosomes (gnomAD). c.1201+1G>A has been observed in individuals affected with Polycystic Kidney Disease 1 (Kinoshita_2016, Duan_2024). These data indicate that the variant may be associated with disease. To our knowledge, no experimental evidence demonstrating an impact on protein function has been reported. The following publications have been ascertained in the context of this evaluation (PMID: 27835667, 39019822). ClinVar contains an entry for this variant (Variation ID: 811176). Based on the evidence outlined above, the variant was classified as likely pathogenic.

Variantyx, Inc.
Classification: Pathogenic for Polycystic kidney disease, adult type. Last evaluated: 2025-08-06. Review status: criteria provided, single submitter. Criteria: Variantyx Assertion Criteria 2022. Collection method: clinical testing. Allele origin: germline. Inheritance: Autosomal dominant inheritance.
Comment: This is a canonical splicing variant in the PKD1 gene (OMIM: 601313). Pathogenic variants in this gene have been associated with autosomal dominant polycystic kidney disease 1. This splicing variant is expected to result in loss of function, which is a known disease mechanism for PKD1 in this disorder (PMID: 10205261, 17304050) (PVS1). This variant has been reported in at least two affected individuals (PMID: 27835667, 39019822) (PS4), w hile it is absent from control populations (PM2). Based on the current evidence, this variant is classified as pathogenic for autosomal dominant polycystic kidney disease 1.

GeneDx
Classification: Likely pathogenic. Last evaluated: 2022-12-07. Review status: criteria provided, single submitter. Criteria: GeneDx Variant Classification Process June 2021. Collection method: clinical testing. Allele origin: germline. Affected: yes.
Comment: Canonical splice site variant expected to result in aberrant splicing, although in the absence of functional evidence the actual effect of this sequence change is unknown.; Not observed at significant frequency in large population cohorts (gnomAD); This variant is associated with the following publications: (PMID: 11007674, 27835667)

Clinical Genetics Laboratory, Skane University Hospital Lund
Classification: Pathogenic. Last evaluated: 2022-07-13. Review status: criteria provided, single submitter. Criteria: ACMG Guidelines, 2015. Collection method: clinical testing. Allele origin: germline. Affected: yes.

Blueprint Genetics
Classification: Pathogenic for PKD1-related disorders. Last evaluated: 2020-07-10. Review status: criteria provided, single submitter. Criteria: ACMG Guidelines, 2015. Collection method: clinical testing. Allele origin: germline. Affected: yes. Observed: 1 variant allele.

ARUP Laboratories, Molecular Genetics and Genomics, ARUP Laboratories
Classification: Likely pathogenic for Polycystic kidney disease, adult type. Last evaluated: 2018-10-18. Review status: criteria provided, single submitter. Criteria: ARUP Molecular Germline Variant Investigation Process. Collection method: clinical testing. Allele origin: germline.
Comment: The PKD1 c.1201+1G>A variant, to our knowledge, is not reported in the medical literature or gene specific databases. This variant is absent from general population databases (1000 Genomes Project, Exome Variant Server, and Genome Aggregation Database), indicating it is not a common polymorphism. This variant abolishes the canonical splice donor site of intron 5, which may result in an in-frame deletion of exon 5. This in-frame deletion is likely to disrupt the PKD1 gene function as exon 5 seems to be functionally important with pathogenic missense variants reported to present in this exon. Based on available information, the c.1201+1G>A variant is considered to be likely pathogenic.

Department of Pathology and Laboratory Medicine, Sinai Health System
Classification: Pathogenic for Polycystic Kidney disease. Review status: no assertion criteria provided. Collection method: clinical testing. Allele origin: unknown. Affected: yes. Study: The Canadian Open Genetics Repository (COGR). Not counted in ClinVar's aggregate classification.
Comment: The PKD1 c.1201+1G>A variant was not identified in the literature nor was it identified in the dbSNP, ClinVar, LOVD 3.0, ADPKD Mutation Database, PKD1-LOVD, the Exome Aggregation Consortium (August 8th 2016), or the Genome Aggregation Database (Feb 27, 2017). The c.1201+1G>A variant is predicted to cause abnormal splicing because the nucleotide substitution occurs in the invariant region of the splice consensus sequence. In addition, 4 of 4 in silico or computational prediction software programs (SpliceSiteFinder, MaxEntScan, NNSPLICE, GeneSplicer) predict a greater than 10% difference in splicing. In summary, based on the above information this variant meets our laboratoryâ€šÃ„Ã´s criteria to be classified as pathogenic.

Literature cited by the submitters: PubMed 39019822 (cited by Women's Health and Genetics/Laboratory Corporation of America, LabCorp and Variantyx, Inc.); PubMed 27835667 (cited by Women's Health and Genetics/Laboratory Corporation of America, LabCorp and Variantyx, Inc.); PubMed 10205261 (cited by Variantyx, Inc.); PubMed 17304050 (cited by Variantyx, Inc.).